The following is an entry in ClinVar:

ClinVar aggregate classification (germline): Uncertain significance. Review status: reviewed by expert panel (3 of 4 stars). 2 submissions from 2 submitters: Uncertain significance (1). 1 of the submissions does not count toward it. Last evaluated 2024-03-15.

Conditions:
Telangiectasia, hereditary hemorrhagic, type 1 (HHT1). Also called: Osler Weber Rendu syndrome type 1; ENG-Related Hereditary Hemorrhagic Telangiectasia. Identifiers: Orphanet 774, MedGen C4551861, MONDO:0008535, OMIM 187300. Disease mechanism: loss of function.

Submissions (2):

ClinGen Hereditary Hemorrhagic Telangiectasia Variant Curation Expert Panel, ClinGen
Classification: Uncertain significance for Telangiectasia, hereditary hemorrhagic, type 1. Last evaluated: 2024-03-15. Review status: reviewed by expert panel. Criteria: ClinGen HHT ACMG Specifications ENG V1.1.0. Collection method: curation. Allele origin: germline. Inheritance: Autosomal dominant inheritance.
Comment: The NM_001114753.3: c.1961C>G variant in ENG is a missense variant predicted to cause substitution of threonine by serine at amino acid 654 (p.Thr654Ser). This variant is absent from gnomAD v2.1.1 (PM2_Supporting). The computational predictor REVEL gives a score of 0.126, which is below the threshold of less than or equal to 0.15, and the splice site predictor SpliceAI indicated that the variant has no impact on splicing, evidence that does not predict a damaging effect on ENG function (BP4). Due to limited evidence, this variant is classified as a variant of uncertain significance for autosomal dominant hereditary hemorrhagic telangiectasia based on the ACMG/AMP criteria applied, as specified by the ClinGen Hereditary Hemorrhagic Telangiectasia Variant Curation Expert Panel: PM2_Supporting, BP4 (specification version 1.0.0; 1/4/2024).

GeneDx
Classification: Uncertain significance. Last evaluated: 2017-05-03. Review status: criteria provided, single submitter. Criteria: GeneDx Variant Classification (06012015). Collection method: clinical testing. Allele origin: germline. Affected: yes. Not counted in ClinVar's aggregate classification.
Comment: A variant of uncertain significance has been identified in the ENG gene. The T654S variant has not been published as pathogenic or been reported as benign to our knowledge. This variant is not observed in large population cohorts (Lek et al., 2016; 1000 Genomes Consortium et al., 2015; Exome Variant Server). However, the T654S variant is a conservative amino acid substitution, which is not likely to impact secondary protein structure as these residues share similar properties. This substitution occurs at a position where amino acids with similar properties to threonine are tolerated across species and where serine is the wild type in several species. In silico analysis is inconsistent in its predictions as to whether or not the variant is damaging to the protein structure/function. Furthermore, the T654S variant occurs in an alternate transcript where no variants have been reported in the Human Gene Mutation Database in association with HHT or other ENG-related disorders (Stenson et al., 2014).

NM_001114753.3(ENG):c.1961C>G (p.Thr654Ser)

Gene: ENG (endoglin; minus strand). Cytogenetic location: 9q34.11.
Variant type: single nucleotide variant.
Coding change: c.1961C>G on transcript NM_001114753.3 (MANE Select); coding-DNA position 1961, C replaced by G.
Protein change: p.Thr654Ser; replaces threonine 654 with serine.
Molecular consequence: missense variant.
Genome position (GRCh38, 1-based): chr9:127,815,698, G>C on the plus strand (C>G on the coding strand, the complement: ENG is on the minus strand). VCF-style: chr9-127815698-G-C. GRCh37 (hg19) VCF-style: chr9-130577977-G-C.
Other names: NM_001114753.3(ENG):c.1961C>G; p.Thr654Ser; c.*219C>G (NM_000118.4); c.1415C>G, p.Thr472Ser (NM_001278138.2); short protein forms T654S, T472S.
Identifiers: ClinVar variation 426118 (VCV000426118.3), dbSNP rs1050077, ClinGen allele CA374969537.